The following is an entry in ClinVar:

ClinVar aggregate classification (germline): Uncertain significance (1 of 4 stars; one submission).

Conditions:
Hyperinsulinemic hypoglycemia, familial, 1 (HHF1). Also called: HYPERINSULINISM, FAMILIAL, WITH PANCREATIC NESIDIOBLASTOSIS; HYPOGLYCEMIA, HYPERINSULINEMIC, OF INFANCY; Persistent Hyperinsulinemia Hypoglycemia of Infancy; NESIDIOBLASTOSIS OF PANCREAS; Persistent hyperinsulinemic hypoglycemia of infancy. Identifiers: Orphanet 276575, Orphanet 276598, MedGen C2931832, MONDO:0009734, OMIM 256450.

Allele frequency attached by ClinVar (database versions not stated): gnomAD exomes below 0.00001.
gnomAD v4.1: 2 of 1,613,916 alleles (0.00012%); no homozygotes.

Submission:

Broad Center for Mendelian Genomics, Broad Institute of MIT and Harvard
Classification: Uncertain significance for Hyperinsulinemic hypoglycemia, familial, 1. Last evaluated: 2023-08-16. Review status: criteria provided, single submitter. Criteria: ACMG Guidelines, 2015. Collection method: curation. Allele origin: germline.
Comment: The p.Val1550Asp variant in ABCC8 has been reported in 1 individual, in the compound heterozygous state, with hyperinsulinemic hypoglycemia (PMID: 12364426) and has been identified in 0.005% (1/21545) of European (Finnish) chromosomes by the Genome Aggregation Database (gnomAD; dbSNP ID: rs1221760584). Although this variant has been seen in the general population in a heterozygous state, its frequency is low enough to be consistent with a recessive carrier frequency. Computational prediction tools and conservation analyses suggest that this variant may impact the protein, though this information is not predictive enough to determine pathogenicity. In vitro functional studies provide some evidence that the p.Val1550Asp variant may slightly impact protein function (PMID: 12627323). However, these types of assays may not accurately represent biological function. In summary, while there is some suspicion for a pathogenic role, the clinical significance of this variant is uncertain. ACMG/AMP Criteria applied: PS3_supporting, PM3, PP3, PM2_suporting (Richards 2015).

Literature cited by the submitters: PubMed 12627323.

NM_000352.6(ABCC8):c.4649T>A (p.Val1550Asp)

Gene: ABCC8 (ATP binding cassette subfamily C member 8; minus strand). Cytogenetic location: 11p15.1.
Variant type: single nucleotide variant.
Coding change: c.4649T>A on transcript NM_000352.6 (MANE Select); coding-DNA position 4649, T replaced by A.
Protein change: p.Val1550Asp; replaces valine 1550 with aspartic acid.
Molecular consequence: missense variant. On other transcripts: non-coding transcript variant (1).
Genome position (GRCh38, 1-based): chr11:17,393,088, A>T on the plus strand (T>A on the coding strand, the complement: ABCC8 is on the minus strand). VCF-style: chr11-17393088-A-T. GRCh37 (hg19) VCF-style: chr11-17414635-A-T.
Other names: NM_001287174.3:c.4652T>A; c.4652T>A, p.Val1551Asp (NM_001287174.3); c.4715T>A, p.Val1572Asp (NM_001351295.2); c.4649T>A, p.Val1550Asp (NM_001351296.2); c.4646T>A, p.Val1549Asp (NM_001351297.2); short protein forms V1549D, V1550D, V1551D, V1572D.
Identifiers: ClinVar variation 2576193 (VCV002576193.1), dbSNP rs1221760584, ClinGen allele CA379781304.